The following is an entry in ClinVar:

ClinVar aggregate classification (germline): Uncertain significance (1 of 4 stars; one submission).

Conditions:
Absence seizure. Also called: Absence epilepsy. Identifiers: Orphanet 1941, MedGen C0014553.
Myoclonic epilepsy, juvenile, susceptibility to, 1. Also called: Myoclonic Epilepsy, Juvenile, 1; EJM1. Identifiers: MedGen C1850778, MONDO:0020752, OMIM 254770.

Allele frequency attached by ClinVar (database versions not stated): gnomAD 0.00001 and 0.00002; ExAC 0.00002; gnomAD exomes 0.00002; TOPMed 0.00003; ESP Exome Variant Server 0.00015.
gnomAD v4.1: 29 of 1,613,922 alleles (0.0018%); highest among the groups gnomAD compares: Middle Eastern, 0.016%; no homozygotes.

Submission:

Labcorp Genetics (formerly Invitae), Labcorp
Classification: Uncertain significance for Myoclonic epilepsy, juvenile, susceptibility to, 1; Absence seizure. Last evaluated: 2020-03-07. Review status: criteria provided, single submitter. Criteria: Invitae Variant Classification Sherloc (09022015). Collection method: clinical testing. Allele origin: germline.
Comment: This variant has not been reported in the literature in individuals with EFHC1-related conditions. This variant is present in population databases (rs201118016, ExAC 0.004%). This sequence change creates a premature translational stop signal (p.Arg352*) in the EFHC1 gene. It is expected to result in an absent or disrupted protein product. The current clinical and genetic evidence is not sufficient to establish whether loss-of-function variants in EFHC1 cause disease. In summary, the available evidence is currently insufficient to determine the role of this variant in disease. Therefore, it has been classified as a Variant of Uncertain Significance.

NM_018100.4(EFHC1):c.1054C>T (p.Arg352Ter)

Gene: EFHC1 (EF-hand domain containing 1; plus strand). Cytogenetic location: 6p12.2.
Variant type: single nucleotide variant.
Coding change: c.1054C>T on transcript NM_018100.4 (MANE Select); coding-DNA position 1054, C replaced by T.
Protein change: p.Arg352Ter; replaces arginine 352 with a stop codon.
Molecular consequence: nonsense. On other transcripts: non-coding transcript variant (1).
Genome position (GRCh38, 1-based): chr6:52,465,032, C>T. VCF-style: chr6-52465032-C-T. GRCh37 (hg19) VCF-style: chr6-52329830-C-T.
Other names: c.997C>T, p.Arg333Ter (NM_001172420.2); short protein forms R333*, R352*.
Identifiers: ClinVar variation 839103 (VCV000839103.9), dbSNP rs201118016, ClinGen allele CA3855974.
Genomic context (GRCh38, chr6:52,465,032, plus strand): 5'-GGGAAGTCACTCACTATCCTTGGGAGAACTTTCTTCATTTATGATTGTGATCCATTTACT[C>T]GACGGTATTACAAAGAGAAGTTTGGAATCACTGATTTACCACGTATTGATGTGAGCAAGC-3'